The following is an entry in ClinVar:

ClinVar aggregate classification (germline): Conflicting classifications of pathogenicity. Review status: criteria provided, conflicting classifications (1 of 4 stars). 5 submissions from 5 submitters: Pathogenic (1); Likely pathogenic (3); Uncertain significance (1). Last evaluated 2025-04-03.

Conditions:
Hyperinsulinemic hypoglycemia, familial, 1 (HHF1). Also called: Persistent hyperinsulinemic hypoglycemia of infancy; Persistent Hyperinsulinemia Hypoglycemia of Infancy; HYPERINSULINISM, FAMILIAL, WITH PANCREATIC NESIDIOBLASTOSIS; HYPOGLYCEMIA, HYPERINSULINEMIC, OF INFANCY; NESIDIOBLASTOSIS OF PANCREAS. Identifiers: Orphanet 276575, Orphanet 276598, MedGen C2931832, MONDO:0009734, OMIM 256450.
Familial hyperinsulinism. Also called: Congenital hyperinsulinism. Identifiers: Orphanet 276525, MedGen C3888018, MONDO:0017182. Disease mechanism: loss of function.
Leucine-induced hypoglycemia (LIH). Also called: LEUCINE-SENSITIVE HYPOGLYCEMIA OF INFANCY. Identifiers: MedGen C0271714, MONDO:0009415, OMIM 240800.
Type 2 diabetes mellitus. Also called: Type II diabetes mellitus. Identifiers: MedGen C0011860, MeSH D003924, MONDO:0005148, OMIM 125853, HP:0005978.
Diabetes mellitus, transient neonatal, 2 (TNDM2). Identifiers: Orphanet 99886, MedGen C1835887, MONDO:0012480, OMIM 610374. Disease mechanism: loss of function.
Diabetes mellitus, permanent neonatal 3. Also called: ABCC8-Related Permanent Neonatal Diabetes Mellitus. Identifiers: MedGen C5394303, MONDO:0030088, OMIM 618857.

Allele frequency attached by ClinVar (database versions not stated): gnomAD exomes below 0.00001; gnomAD 0.00001.
gnomAD v4.1: 2 of 1,611,652 alleles (0.00012%); highest among the groups gnomAD compares: Non-Finnish European, 0.00017%; no homozygotes.

Submissions (5):

Labcorp Genetics (formerly Invitae), Labcorp
Classification: Uncertain significance. Last evaluated: 2025-04-03. Review status: criteria provided, single submitter. Criteria: Invitae Variant Classification Sherloc (09022015). Collection method: clinical testing. Allele origin: germline.
Comment: This sequence change replaces cysteine, which is neutral and slightly polar, with serine, which is neutral and polar, at codon 26 of the ABCC8 protein (p.Cys26Ser). This variant is present in population databases (no rsID available, gnomAD 0.0009%). This missense change has been observed in individual(s) with hyperinsulinemic hypoglycemia (PMID: 21199866). ClinVar contains an entry for this variant (Variation ID: 1338491). Invitae Evidence Modeling of protein sequence and biophysical properties (such as structural, functional, and spatial information, amino acid conservation, physicochemical variation, residue mobility, and thermodynamic stability) indicates that this missense variant is expected to disrupt ABCC8 protein function with a positive predictive value of 95%. Experimental studies have shown that this missense change affects ABCC8 function (PMID: 22311976). In summary, the available evidence is currently insufficient to determine the role of this variant in disease. Therefore, it has been classified as a Variant of Uncertain Significance.

Fulgent Genetics
Classification: Likely pathogenic for Type 2 diabetes mellitus; Leucine-induced hypoglycemia; Hyperinsulinemic hypoglycemia, familial, 1; Diabetes mellitus, transient neonatal, 2; Diabetes mellitus, permanent neonatal 3. Last evaluated: 2024-06-03. Review status: criteria provided, single submitter. Criteria: ACMG Guidelines, 2015. Collection method: clinical testing. Allele origin: germline.

Women's Health and Genetics/Laboratory Corporation of America, LabCorp
Classification: Likely pathogenic for Familial hyperinsulinism. Last evaluated: 2024-06-03. Review status: criteria provided, single submitter. Criteria: LabCorp Variant Classification Summary - May 2015. Collection method: clinical testing. Allele origin: germline.
Comment: Variant summary: ABCC8 c.76T>A (p.Cys26Ser) results in a non-conservative amino acid change in the encoded protein sequence. Five of five in-silico tools predict a damaging effect of the variant on protein function. The variant allele was found at a frequency of 4.1e-06 in 244362 control chromosomes. c.76T>A has been reported in the literature in at least one individual affected with hyperinsulinemic hypoglycemia (Fukuda_2011). These data do not allow any conclusion about variant significance. At least two publications report experimental evidence evaluating an impact on protein function and showed that C26S led to instability and ER retention (Fukuda_2011, Wang_2012). The following publications have been ascertained in the context of this evaluation (PMID: 21199866, 22311976). ClinVar contains an entry for this variant (Variation ID: 1338491). Based on the evidence outlined above, the variant was classified as likely pathogenic.

Broad Center for Mendelian Genomics, Broad Institute of MIT and Harvard
Classification: Likely pathogenic for Hyperinsulinemic hypoglycemia, familial, 1. Last evaluated: 2023-08-16. Review status: criteria provided, single submitter. Criteria: ACMG Guidelines, 2015. Collection method: curation. Allele origin: germline.
Comment: The p.Cys26Ser variant in ABCC8 was observed in two individuals with hyperinsulinemic hypoglycemia (PMID 21199866, unpublished data), and has been identified in 0.0009% (1/109276) of European chromosomes by the Genome Aggregation Database (gnomAD; dbSNP rs1462559571). Although this variant has been seen in the general population in a heterozygous state, its frequency is low enough to be consistent with a recessive carrier frequency. This variant has also been reported in ClinVar (Variation ID: 1338491) and has been interpreted as pathogenic by the Genetics Services Laboratory (University of Chicago) and likely pathogenic by the Women's Health and Genetics Laboratory (LabCorp). Of the 2 affected individuals, 1 of those were homozygote, which increases the likelihood that the p.Cys26Ser variant is pathogenic (unpublished data). In vitro functional studies provide some evidence that the p.Cys26Ser variant impacts protein trafficking to the cell surface in COSm6 and HEK293 cells (PMID: 21199866, 22311976). However, these types of assays may not accurately represent biological function. Computational prediction tools and conservation analyses suggest that this variant may impact the protein, though this information is not predictive enough to determine pathogenicity. One additional pathogenic variant, resulting in a different amino acid change at the same position, (p.Cys26Trp), has been reported in association with disease (unpublished data), supporting that a change at this position may not be tolerated. In summary, although additional studies are required to fully establish its clinical significance, this variant is likely pathogenic for autosomal recessive hyperinsulinemic hypoglycemia. ACMG/AMP Criteria applied: PS3_supporting, PM2_supporting, PP3, PM5, PM3_supporting (Richards 2015).

Genetic Services Laboratory, University of Chicago
Classification: Pathogenic. Last evaluated: 2019-02-26. Review status: criteria provided, single submitter. Criteria: ACMG Guidelines, 2015. Collection method: clinical testing. Allele origin: germline. Affected: yes.
Comment: DNA sequence analysis of the ABCC8 gene demonstrated a sequence change, c.76T>A, in exon 1 that results in an amino acid change, p.Cys26Ser. This pathogenic sequence change has previously been described in the compound heterozygous state a patient with ABCC8-related hyperinsulinemic hypoglycemia (PMID: 21199866). Fukada et al. found that the p.Cys26 position is high conserved in ABC transporters due to Cys-Cys bonds that occur within these transporter proteins. In vitro analysis of the p.Cys26Ser change showed that it affected SUR1 maturation (i.e. full glycosylation) by interfering with the formation of a Cys-Cys bond between p.Cys6 and p.Cys26 (PMID: 21199866). The p.Cys26Ser change affects a highly conserved amino acid residue located in a domain of the SUR1 protein that is known to be functional. The p.Cys26Ser substitution appears to be deleterious using several in-silico pathogenicity prediction tools (SIFT, PolyPhen2, CADD, REVEL)." DNA sequence analysis of the ABCC8 gene demonstrated a sequence change, c.76T>A, in exon 1 that results in an amino acid change, p.Cys26Ser. This pathogenic sequence change has previously been described in the compound heterozygous state a patient with ABCC8-related hyperinsulinemic hypoglycemia (PMID: 21199866). Fukada et al. found that the p.Cys26 position is high conserved in ABC transporters due to Cys-Cys bonds that occur within these transporter proteins. In vitro analysis of the p.Cys26Ser change showed that it affected SUR1 maturation (i.e. full glycosylation) by interfering with the formation of a Cys-Cys bond between p.Cys6 and p.Cys26 (PMID: 21199866). The p.Cys26Ser change affects a highly conserved amino acid residue located in a domain of the SUR1 protein that is known to be functional. The p.Cys26Ser substitution appears to be deleterious using several in-silico pathogenicity prediction tools (SIFT, PolyPhen2, CADD, REVEL).

Literature cited by the submitters: PubMed 21199866 (cited by Labcorp Genetics (formerly Invitae), Labcorp and Women's Health and Genetics/Laboratory Corporation of America, LabCorp); PubMed 22311976 (cited by Labcorp Genetics (formerly Invitae), Labcorp and Women's Health and Genetics/Laboratory Corporation of America, LabCorp).

NM_000352.6(ABCC8):c.76T>A (p.Cys26Ser)

Gene: ABCC8 (ATP binding cassette subfamily C member 8; minus strand). Cytogenetic location: 11p15.1.
Variant type: single nucleotide variant.
Coding change: c.76T>A on transcript NM_000352.6 (MANE Select); coding-DNA position 76, T replaced by A.
Protein change: p.Cys26Ser; replaces cysteine 26 with serine.
Molecular consequence: missense variant. On other transcripts: non-coding transcript variant (1).
Genome position (GRCh38, 1-based): chr11:17,476,701, A>T on the plus strand (T>A on the coding strand, the complement: ABCC8 is on the minus strand). VCF-style: chr11-17476701-A-T. GRCh37 (hg19) VCF-style: chr11-17498248-A-T.
Other names: NM_000352.6(ABCC8):c.76T>A; p.Cys26Ser; c.76T>A, p.Cys26Ser (NM_001287174.3, NM_001351295.2, NM_001351296.2 and 1 more transcripts); short protein forms C26S.
Identifiers: ClinVar variation 1338491 (VCV001338491.9), dbSNP rs1462559571, ClinGen allele CA379790058.